The following is an entry in ClinVar:

ClinVar aggregate classification (germline): Uncertain significance. Review status: criteria provided, multiple submitters, no conflicts (2 of 4 stars). 2 submissions from 2 submitters: Uncertain significance (2). Last evaluated 2025-03-25.

Conditions:
Inborn genetic diseases. Identifiers: MedGen C0950123, MeSH D030342.

Allele frequency attached by ClinVar (database versions not stated): gnomAD exomes below 0.00001.
gnomAD v4.1: 2 of 1,613,886 alleles (0.00012%); highest among the groups gnomAD compares: Non-Finnish European, 0.00017%; no homozygotes.

Submissions (2):

Ambry Genetics
Classification: Uncertain significance for Inborn genetic diseases. Last evaluated: 2025-03-25. Review status: criteria provided, single submitter. Criteria: Ambry Variant Classification Scheme 2023. Collection method: clinical testing. Allele origin: germline.
Comment: The p.Q1495E variant (also known as c.4483C>G), located in coding exon 1 of the SAMD9L gene, results from a C to G substitution at nucleotide position 4483. The glutamine at codon 1495 is replaced by glutamic acid, an amino acid with highly similar properties. This amino acid position is conserved. In addition, this alteration is predicted to be tolerated by in silico analysis. Based on the available evidence, the clinical significance of this variant remains unclear.

Labcorp Genetics (formerly Invitae), Labcorp
Classification: Uncertain significance. Last evaluated: 2023-03-01. Review status: criteria provided, single submitter. Criteria: Invitae Variant Classification Sherloc (09022015). Collection method: clinical testing. Allele origin: germline.
Comment: In summary, the available evidence is currently insufficient to determine the role of this variant in disease. Therefore, it has been classified as a Variant of Uncertain Significance. Advanced modeling of protein sequence and biophysical properties (such as structural, functional, and spatial information, amino acid conservation, physicochemical variation, residue mobility, and thermodynamic stability) performed at Invitae indicates that this missense variant is not expected to disrupt SAMD9L protein function. This variant has not been reported in the literature in individuals affected with SAMD9L-related conditions. This variant is not present in population databases (gnomAD no frequency). This sequence change replaces glutamine, which is neutral and polar, with glutamic acid, which is acidic and polar, at codon 1495 of the SAMD9L protein (p.Gln1495Glu).

NM_152703.5(SAMD9L):c.4483C>G (p.Gln1495Glu)

Gene: SAMD9L (sterile alpha motif domain containing 9 like; minus strand). Cytogenetic location: 7q21.2.
Variant type: single nucleotide variant.
Coding change: c.4483C>G on transcript NM_152703.5 (MANE Select); coding-DNA position 4483, C replaced by G.
Protein change: p.Gln1495Glu; replaces glutamine 1495 with glutamic acid.
Molecular consequence: missense variant.
Genome position (GRCh38, 1-based): chr7:93,131,489, G>C on the plus strand (C>G on the coding strand, the complement: SAMD9L is on the minus strand). VCF-style: chr7-93131489-G-C. GRCh37 (hg19) VCF-style: chr7-92760802-G-C.
Other names: c.4483C>G, p.Gln1495Glu (NM_001303496.3, NM_001303497.3, NM_001303498.3 and 5 more transcripts); c.4483C>G (NM_152703.2); short protein forms Q1495E.
Identifiers: ClinVar variation 2829549 (VCV002829549.4), dbSNP rs1792090556, ClinGen allele CA368171359.